The following is an entry in ClinVar:

NM_000257.4(MYH7):c.3209A>T (p.Glu1070Val)

Gene: MYH7 (myosin heavy chain 7; minus strand). Cytogenetic location: 14q11.2.
Variant type: single nucleotide variant.
Coding change: c.3209A>T on transcript NM_000257.4 (MANE Select); coding-DNA position 3209, A replaced by T.
Protein change: p.Glu1070Val; replaces glutamic acid 1070 with valine.
Molecular consequence: missense variant.
Genome position (GRCh38, 1-based): chr14:23,422,216, T>A on the plus strand (A>T on the coding strand, the complement: MYH7 is on the minus strand). VCF-style: chr14-23422216-T-A. GRCh37 (hg19) VCF-style: chr14-23891425-T-A.
Other names: short protein forms E1070V.
Identifiers: ClinVar variation 525014 (VCV000525014.6), dbSNP rs1555337294, ClinGen allele CA389045189.

ClinVar aggregate classification (germline): Uncertain significance (1 of 4 stars; one submission).

Conditions:
Hypertrophic cardiomyopathy. Also called: HYPERTROPHIC MYOCARDIOPATHY. Identifiers: Orphanet 217569, MedGen C0007194, MeSH D002312, MONDO:0005045, HP:0001639.

Allele frequency attached by ClinVar (database versions not stated): gnomAD exomes below 0.00001.
gnomAD v4.1: 1 of 1,613,756 alleles (0.000062%); highest among the groups gnomAD compares: Non-Finnish European, 0.000085%; no homozygotes.

Submission:

Labcorp Genetics (formerly Invitae), Labcorp
Classification: Uncertain significance for Hypertrophic cardiomyopathy. Last evaluated: 2021-10-03. Review status: criteria provided, single submitter. Criteria: Invitae Variant Classification Sherloc (09022015). Collection method: clinical testing. Allele origin: germline.
Comment: In summary, the available evidence is currently insufficient to determine the role of this variant in disease. Therefore, it has been classified as a Variant of Uncertain Significance. Algorithms developed to predict the effect of sequence changes on RNA splicing suggest that this variant may create or strengthen a splice site. An algorithm developed specifically for the MYH7 gene suggests that this missense change is likely to be deleterious (PMID: 21310275). This variant has not been reported in the literature in individuals affected with MYH7-related conditions. This variant is not present in population databases (ExAC no frequency). This sequence change replaces glutamic acid with valine at codon 1070 of the MYH7 protein (p.Glu1070Val). The glutamic acid residue is highly conserved and there is a moderate physicochemical difference between glutamic acid and valine.

Literature cited by the submitters: PubMed 21310275.